The following is an entry in ClinVar:

ClinVar aggregate classification (germline): Uncertain significance (1 of 4 stars; one submission).

Conditions:
Inborn genetic diseases. Identifiers: MedGen C0950123, MeSH D030342.

Submission:

Ambry Genetics
Classification: Uncertain significance for Inborn genetic diseases. Last evaluated: 2025-05-24. Review status: criteria provided, single submitter. Criteria: Ambry Variant Classification Scheme 2023. Collection method: clinical testing. Allele origin: germline.
Comment: The p.Q227E variant (also known as c.679C>G), located in coding exon 4 of the KDM1A gene, results from a C to G substitution at nucleotide position 679. The glutamine at codon 227 is replaced by glutamic acid, an amino acid with highly similar properties. This amino acid position is conserved. In addition, the in silico prediction for this alteration is inconclusive. Based on the available evidence, the clinical significance of this variant remains unclear.

NM_001009999.3(KDM1A):c.679C>G (p.Gln227Glu)

Gene: KDM1A (lysine demethylase 1A; plus strand). Cytogenetic location: 1p36.12.
Variant type: single nucleotide variant.
Coding change: c.679C>G on transcript NM_001009999.3 (MANE Select); coding-DNA position 679, C replaced by G.
Protein change: p.Gln227Glu; replaces glutamine 227 with glutamic acid.
Molecular consequence: missense variant.
Genome position (GRCh38, 1-based): chr1:23,050,488, C>G. VCF-style: chr1-23050488-C-G. GRCh37 (hg19) VCF-style: chr1-23376981-C-G.
Other names: c.619C>G, p.Gln207Glu (NM_001363654.2, NM_001410763.1, NM_015013.4); c.679C>G, p.Gln227Glu (NM_001410762.1); short protein forms Q227E, Q207E.
Identifiers: ClinVar variation 4042155 (VCV004042155.1).
Genomic context (GRCh38, chr1:23,050,488, plus strand): 5'-CGGATGACTTCTCAAGAAGCAGCCTGTTTTCCAGATATTATCAGTGGACCACAACAGACC[C>G]AGAAGGTTTTTCTTTTCATTAGAAACCGCACAGTAAGTTTCCATTTCAGCTTTTTCACCT-3'
Protein context (NP_001009999.1, residues 217-237): PDIISGPQQT[Gln227Glu]KVFLFIRNRT